The following is an entry in ClinVar:

ClinVar aggregate classification (germline): Likely benign (0 of 4 stars; one submission).

Conditions:
LRP1-related disorder. Also called: LRP1-related condition.

Allele frequency attached by ClinVar (database versions not stated): 1000 Genomes Project 30x 0.00031; 1000 Genomes Project 0.00040; TOPMed 0.00062; gnomAD 0.00064; ESP Exome Variant Server 0.00069; ExAC 0.00081; gnomAD exomes 0.00112.
gnomAD v4.1: 1,723 of 1,614,026 alleles (0.11%); highest among the groups gnomAD compares: Non-Finnish European, 0.13%; 2 homozygotes.

Submission:

PreventionGenetics, part of Exact Sciences
Classification: Likely benign for LRP1-related condition. Last evaluated: 2022-04-06. Review status: no assertion criteria provided. Collection method: clinical testing. Allele origin: germline.
Comment: This variant is classified as likely benign based on ACMG/AMP sequence variant interpretation guidelines (Richards et al. 2015 PMID: 25741868, with internal and published modifications).

NM_002332.3(LRP1):c.13135G>A (p.Gly4379Ser)

Gene: LRP1 (LDL receptor related protein 1; plus strand). Cytogenetic location: 12q13.3.
Variant type: single nucleotide variant.
Coding change: c.13135G>A on transcript NM_002332.3 (MANE Select); coding-DNA position 13135, G replaced by A.
Protein change: p.Gly4379Ser; replaces glycine 4379 with serine.
Molecular consequence: missense variant.
Genome position (GRCh38, 1-based): chr12:57,211,530, G>A. VCF-style: chr12-57211530-G-A. GRCh37 (hg19) VCF-style: chr12-57605313-G-A.
Other names: short protein forms G4379S.
Identifiers: ClinVar variation 3034041 (VCV003034041.2), dbSNP rs148215878, ClinGen allele CA6645805.